The following is an entry in ClinVar:

ClinVar aggregate classification (germline): Uncertain significance (1 of 4 stars; one submission).

Allele frequency attached by ClinVar (database versions not stated): TOPMed 0.00001.
gnomAD v4.1: 4 of 1,614,006 alleles (0.00025%); highest among the groups gnomAD compares: Admixed American, 0.0017%; no homozygotes.

Submission:

Labcorp Genetics (formerly Invitae), Labcorp
Classification: Uncertain significance. Last evaluated: 2024-09-19. Review status: criteria provided, single submitter. Criteria: Invitae Variant Classification Sherloc (09022015). Collection method: clinical testing. Allele origin: germline.
Comment: This sequence change replaces threonine, which is neutral and polar, with arginine, which is basic and polar, at codon 201 of the OPN1SW protein (p.Thr201Arg). This variant is present in population databases (no rsID available, gnomAD 0.003%). This variant has not been reported in the literature in individuals affected with OPN1SW-related conditions. ClinVar contains an entry for this variant (Variation ID: 1370056). An algorithm developed to predict the effect of missense changes on protein structure and function (PolyPhen-2) suggests that this variant is likely to be disruptive. In summary, the available evidence is currently insufficient to determine the role of this variant in disease. Therefore, it has been classified as a Variant of Uncertain Significance.

NM_001385125.1(OPN1SW):c.593C>G (p.Thr198Arg)

Gene: OPN1SW (opsin 1, short wave sensitive; minus strand). Cytogenetic location: 7q32.1.
Variant type: single nucleotide variant.
Coding change: c.593C>G on transcript NM_001385125.1 (MANE Select); coding-DNA position 593, C replaced by G.
Protein change: p.Thr198Arg; replaces threonine 198 with arginine.
Molecular consequence: missense variant.
Genome position (GRCh38, 1-based): chr7:128,774,583, G>C on the plus strand (C>G on the coding strand, the complement: OPN1SW is on the minus strand). VCF-style: chr7-128774583-G-C. GRCh37 (hg19) VCF-style: chr7-128414637-G-C.
Other names: short protein forms T198R.
Identifiers: ClinVar variation 1370056 (VCV001370056.6), dbSNP rs1041014166, ClinGen allele CA369218761.